The following is an entry in ClinVar:

NM_004656.4(BAP1):c.1200C>T (p.Asp400=)

Gene: BAP1 (BRCA1 associated deubiquitinase 1; minus strand). Cytogenetic location: 3p21.1.
Variant type: single nucleotide variant.
Coding change: c.1200C>T on transcript NM_004656.4 (MANE Select); coding-DNA position 1200, C replaced by T.
Protein change: p.Asp400=; no amino-acid change (aspartic acid 400 retained).
Molecular consequence: synonymous variant.
Genome position (GRCh38, 1-based): chr3:52,404,503, G>A on the plus strand (C>T on the coding strand, the complement: BAP1 is on the minus strand). VCF-style: chr3-52404503-G-A. GRCh37 (hg19) VCF-style: chr3-52438519-G-A.
Other names: c.1200C>T (LRG_529t1).
Identifiers: ClinVar variation 417289 (VCV000417289.16), dbSNP rs1060505013, ClinGen allele CA16611348.
Genomic context (GRCh38, chr3:52,404,503, plus strand): 5'-CTGGGCTGACCTAAGGGCAGAGTTGGTGTTCTGCACGTCATCCTCCTCGTCATCCTCATA[G>A]TCATCCTCATCATCTGAGTACTGCTGGGGTGGGCGGACTGGAACTCGGCTGCGGCCCACA-3'
Protein context (NP_004647.1, residues 390-410): PPQQYSDDED[Asp400=]YEDDEEDDVQ

ClinVar aggregate classification (germline): Benign/Likely benign. Review status: criteria provided, multiple submitters, no conflicts (2 of 4 stars). 4 submissions from 4 submitters: Benign (1); Likely benign (3). Last evaluated 2025-12-29.

Conditions:
Hereditary cancer-predisposing syndrome. Also called: Tumor predisposition; Neoplastic Syndromes, Hereditary; Hereditary neoplastic syndrome; Hereditary Cancer Syndrome. Identifiers: Orphanet 140162, MedGen C0027672, MeSH D009386, MONDO:0015356.
BAP1-related tumor predisposition syndrome (TPDS1). Also called: BAP1 tumor predisposition syndrome; Tumor susceptibility linked to germline BAP1 mutations; COMMON Syndrome; TUMOR PREDISPOSITION SYNDROME 1. Identifiers: Orphanet 289539, MedGen C3280492, MONDO:0013692, OMIM 614327.

Allele frequency attached by ClinVar (database versions not stated): gnomAD exomes below 0.00001; gnomAD 0.00001.

Submissions (4):

Labcorp Genetics (formerly Invitae), Labcorp
Classification: Likely benign for BAP1-related tumor predisposition syndrome. Last evaluated: 2025-12-29. Review status: criteria provided, single submitter. Criteria: Invitae Variant Classification Sherloc (09022015). Collection method: clinical testing. Allele origin: germline.

Myriad Genetics, Inc.
Classification: Benign for BAP1-related tumor predisposition syndrome. Last evaluated: 2024-07-15. Review status: criteria provided, single submitter. Criteria: Myriad Autosomal Dominant, Autosomal Recessive and X-Linked Classification Criteria (2023). Collection method: clinical testing. Allele origin: unknown.
Comment: This variant is considered benign. This variant is a silent/synonymous amino acid change and it is not expected to impact splicing.

Ambry Genetics
Classification: Likely benign for Hereditary cancer-predisposing syndrome. Last evaluated: 2020-12-29. Review status: criteria provided, single submitter. Criteria: Ambry Variant Classification Scheme 2023. Collection method: clinical testing. Allele origin: germline.

Color Diagnostics, LLC DBA Color Health
Classification: Likely benign for Hereditary cancer-predisposing syndrome. Last evaluated: 2016-08-19. Review status: criteria provided, single submitter. Criteria: ACMG Guidelines, 2015. Collection method: clinical testing. Allele origin: germline.